The following is an entry in ClinVar:

ClinVar aggregate classification (germline): Uncertain significance (1 of 4 stars; one submission).

Conditions:
Immunodeficiency, common variable, 2 (CVID2). Also called: ANTIBODY DEFICIENCY DUE TO TACI DEFECT; HYPOGAMMAGLOBULINEMIA DUE TO TACI DEFICIENCY. Identifiers: Orphanet 1572, MedGen C3150354, MONDO:0009413, OMIM 240500.

Allele frequency attached by ClinVar (database versions not stated): ExAC 0.00003; gnomAD exomes 0.00005; gnomAD 0.00004; TOPMed 0.00004.
gnomAD v4.1: 84 of 1,613,944 alleles (0.0052%); highest among the groups gnomAD compares: East Asian, 0.11%; no homozygotes.

Submission:

Labcorp Genetics (formerly Invitae), Labcorp
Classification: Uncertain significance for Immunodeficiency, common variable, 2. Last evaluated: 2022-10-17. Review status: criteria provided, single submitter. Criteria: Invitae Variant Classification Sherloc (09022015). Collection method: clinical testing. Allele origin: germline.
Comment: This sequence change replaces arginine, which is basic and polar, with glutamine, which is neutral and polar, at codon 6 of the TNFRSF13B protein (p.Arg6Gln). This variant is present in population databases (rs747078163, gnomAD 0.05%). This variant has not been reported in the literature in individuals affected with TNFRSF13B-related conditions. ClinVar contains an entry for this variant (Variation ID: 538713). Algorithms developed to predict the effect of missense changes on protein structure and function output the following: SIFT: "Tolerated"; PolyPhen-2: "Not Available"; Align-GVGD: "Class C0". The glutamine amino acid residue is found in multiple mammalian species, which suggests that this missense change does not adversely affect protein function. In summary, the available evidence is currently insufficient to determine the role of this variant in disease. Therefore, it has been classified as a Variant of Uncertain Significance.

NM_012452.3(TNFRSF13B):c.17G>A (p.Arg6Gln)

Gene: TNFRSF13B (TNF receptor superfamily member 13B; minus strand). Cytogenetic location: 17p11.2.
Variant type: single nucleotide variant.
Coding change: c.17G>A on transcript NM_012452.3 (MANE Select); coding-DNA position 17, G replaced by A.
Protein change: p.Arg6Gln; replaces arginine 6 with glutamine.
Molecular consequence: missense variant.
Genome position (GRCh38, 1-based): chr17:16,972,059, C>T on the plus strand (G>A on the coding strand, the complement: TNFRSF13B is on the minus strand). VCF-style: chr17-16972059-C-T. GRCh37 (hg19) VCF-style: chr17-16875373-C-T.
Other names: short protein forms R6Q.
Identifiers: ClinVar variation 538713 (VCV000538713.6), dbSNP rs747078163, ClinGen allele CA8414169.